The following is an entry in ClinVar:

NC_012920.1(MT-ND5):m.13711G>A

Gene: MT-ND5 (mitochondrially encoded NADH dehydrogenase 5; plus strand).
Variant type: single nucleotide variant.
Genome position: chrM-13711-G-A.
Identifiers: ClinVar variation 693593 (VCV000693593.1), dbSNP rs879489195, ClinGen allele CA337099778.
Genomic context (GRCh38, chrMT:13,711, plus strand): 5'-ACCCTTACTAACATTAACGAAAATAACCCCACCCTACTAAACCCCATTAAACGCCTGGCA[G>A]CCGGAAGCCTATTCGCAGGATTTCTCATTACTAACAACATTTCCCCCGCATCCCCCTTCC-3'

ClinVar aggregate classification (germline): Benign (1 of 4 stars; one submission).

Conditions:
Leigh syndrome (NULS). Also called: Leigh's necrotizing encephalopathy; Leigh's disease; Leigh's syndrome; LEIGH SYNDROME, NUCLEAR; Leigh Syndrome (mtDNA deletion); Leigh Disease. Identifiers: Orphanet 506, MedGen C2931891, MONDO:0009723, OMIM 256000.

Submission:

Wong Mito Lab, Molecular and Human Genetics, Baylor College of Medicine
Classification: Benign for Leigh syndrome. Last evaluated: 2019-10-17. Review status: criteria provided, single submitter. Criteria: Modified ACMG Guidelines (Unpublished). Collection method: clinical testing. Allele origin: germline.
Comment: The NC_012920.1:m.13711G>A (YP_003024036.1:p.Ala459Thr) variant in MTND5 gene is interpretated to be a Benign variant based on the modified ACMG guidelines (unpublished). This variant meets the following evidence codes: BS1, BS2, BP4